The following is an entry in ClinVar:

NM_212482.4(FN1):c.3497T>C (p.Ile1166Thr)

Gene: FN1 (fibronectin 1; minus strand). Cytogenetic location: 2q35.
Variant type: single nucleotide variant.
Coding change: c.3497T>C on transcript NM_212482.4 (MANE Select); coding-DNA position 3497, T replaced by C.
Protein change: p.Ile1166Thr; replaces isoleucine 1166 with threonine.
Molecular consequence: missense variant.
Genome position (GRCh38, 1-based): chr2:215,397,700, A>G on the plus strand (T>C on the coding strand, the complement: FN1 is on the minus strand). VCF-style: chr2-215397700-A-G. GRCh37 (hg19) VCF-style: chr2-216262423-A-G.
Other names: c.3497T>C, p.Ile1166Thr (NM_001306129.2, NM_001306130.2, NM_001306131.2 and 13 more transcripts); short protein forms I1166T.
Identifiers: ClinVar variation 1981814 (VCV001981814.4), dbSNP rs781112814, ClinGen allele CA2094699.

ClinVar aggregate classification (germline): Uncertain significance (1 of 4 stars; one submission).

Allele frequency attached by ClinVar (database versions not stated): ExAC 0.00001; TOPMed 0.00002; gnomAD 0.00005; gnomAD exomes 0.00006.
gnomAD v4.1: 86 of 1,614,042 alleles (0.0053%); highest among the groups gnomAD compares: Non-Finnish European, 0.0069%; no homozygotes.

Submission:

Labcorp Genetics (formerly Invitae), Labcorp
Classification: Uncertain significance. Last evaluated: 2023-02-11. Review status: criteria provided, single submitter. Criteria: Invitae Variant Classification Sherloc (09022015). Collection method: clinical testing. Allele origin: germline.
Comment: This variant is present in population databases (rs781112814, gnomAD 0.004%). In summary, the available evidence is currently insufficient to determine the role of this variant in disease. Therefore, it has been classified as a Variant of Uncertain Significance. Advanced modeling of protein sequence and biophysical properties (such as structural, functional, and spatial information, amino acid conservation, physicochemical variation, residue mobility, and thermodynamic stability) has been performed at Invitae for this missense variant, however the output from this modeling did not meet the statistical confidence thresholds required to predict the impact of this variant on FN1 protein function. This variant has not been reported in the literature in individuals affected with FN1-related conditions. This sequence change replaces isoleucine, which is neutral and non-polar, with threonine, which is neutral and polar, at codon 1166 of the FN1 protein (p.Ile1166Thr).